The following is an entry in ClinVar:

ClinVar aggregate classification (germline): Benign/Likely benign. Review status: criteria provided, multiple submitters, no conflicts (2 of 4 stars). 9 submissions from 9 submitters: Benign (8); Likely benign (1). Last evaluated 2026-02-04.

Conditions:
Hermansky-Pudlak syndrome 4 (HPS4). Identifiers: Orphanet 231500, Orphanet 79430, MedGen C3484357, MONDO:0013556, OMIM 614073.

Allele frequency attached by ClinVar (database versions not stated): 1000 Genomes Project 0.82728; 1000 Genomes Project 30x 0.82776; TOPMed 0.84187; gnomAD 0.86250 and 0.86480; ESP Exome Variant Server 0.86852; gnomAD exomes 0.87712 and 0.91428; ExAC 0.88193.
gnomAD v4.1: 1,467,453 of 1,613,816 alleles (91%); highest among the groups gnomAD compares: Non-Finnish European, 93%; 670,573 homozygotes.

Submissions (9):

Labcorp Genetics (formerly Invitae), Labcorp
Classification: Benign. Last evaluated: 2026-02-04. Review status: criteria provided, single submitter. Criteria: Invitae Variant Classification Sherloc (09022015). Collection method: clinical testing. Allele origin: germline.

Women's Health and Genetics/Laboratory Corporation of America, LabCorp
Classification: Benign. Last evaluated: 2025-02-09. Review status: criteria provided, single submitter. Criteria: LabCorp Variant Classification Summary - May 2015. Collection method: clinical testing. Allele origin: germline.

Blueprint Genetics
Classification: Likely benign. Last evaluated: 2024-11-28. Review status: criteria provided, single submitter. Criteria: ACMG Guidelines, 2015. Collection method: clinical testing. Allele origin: germline.

Mayo Clinic Laboratories, Mayo Clinic
Classification: Benign. Last evaluated: 2022-09-29. Review status: criteria provided, single submitter. Criteria: ACMG Guidelines, 2015. Collection method: clinical testing. Allele origin: germline. Observed: 579 variant alleles.

Genome-Nilou Lab
Classification: Benign for Hermansky-Pudlak syndrome 4. Last evaluated: 2021-08-10. Review status: criteria provided, single submitter. Criteria: ACMG Guidelines, 2015. Collection method: clinical testing. Allele origin: germline. Affected: no.

GeneDx
Classification: Benign. Last evaluated: 2018-11-12. Review status: criteria provided, single submitter. Criteria: GeneDx Variant Classification Process June 2021. Collection method: clinical testing. Allele origin: germline. Affected: yes.

Laboratory for Molecular Medicine, Mass General Brigham Personalized Medicine
Classification: Benign. Last evaluated: 2013-02-21. Review status: criteria provided, single submitter. Criteria: LMM Criteria. Collection method: clinical testing. Allele origin: germline. Observed: 80 variant alleles.
Comment: Gln625His in exon 13 of HPS4: This variant is not expected to have clinical sign ificance because it has been identified in 24.7% (1089/4406) of African American chromosomes from a broad population by the NHLBI Exome Sequencing Project (dbSNP rs1894704).

Breakthrough Genomics
Classification: Benign. Review status: criteria provided, single submitter. Criteria: ACMG Guidelines, 2015. Collection method: not provided. Allele origin: germline. Inheritance: Autosomal recessive inheritance. Affected: yes.

PreventionGenetics, part of Exact Sciences
Classification: Benign. Review status: criteria provided, single submitter. Criteria: ACMG Guidelines, 2015. Collection method: clinical testing. Allele origin: germline.

NM_022081.6(HPS4):c.1875G>T (p.Gln625His)

Gene: HPS4 (HPS4 biogenesis of lysosomal organelles complex 3 subunit 2; minus strand). Cytogenetic location: 22q12.1.
Variant type: single nucleotide variant.
Coding change: c.1875G>T on transcript NM_022081.6 (MANE Select); coding-DNA position 1875, G replaced by T.
Protein change: p.Gln625His; replaces glutamine 625 with histidine.
Molecular consequence: missense variant. On other transcripts: non-coding transcript variant (8), intron variant (2).
Genome position (GRCh38, 1-based): chr22:26,457,939, C>A on the plus strand (G>T on the coding strand, the complement: HPS4 is on the minus strand). VCF-style: chr22-26457939-C-A. GRCh37 (hg19) VCF-style: chr22-26853905-C-A.
Other names: c.1875G>T, p.Gln625His (NM_001349896.1, NM_001349898.2, NM_001349899.2 and 2 more transcripts); c.1929G>T, p.Gln643His (NM_001349900.2, NM_001349901.1); c.1860G>T, p.Gln620His (NM_152841.2); c.1714-4535G>T (NM_001349902.1, NM_001349903.2); short protein forms Q625H, Q620H, Q643H.
Identifiers: ClinVar variation 163670 (VCV000163670.23), dbSNP rs1894704, ClinGen allele CA176298.